The following is an entry in ClinVar:

NM_024996.7(GFM1):c.628A>G (p.Asn210Asp)

Gene: GFM1 (G elongation factor mitochondrial 1; plus strand). Cytogenetic location: 3q25.32.
Variant type: single nucleotide variant.
Coding change: c.628A>G on transcript NM_024996.7 (MANE Select); coding-DNA position 628, A replaced by G.
Protein change: p.Asn210Asp; replaces asparagine 210 with aspartic acid.
Molecular consequence: missense variant. On other transcripts: non-coding transcript variant (2), intron variant (3).
Genome position (GRCh38, 1-based): chr3:158,649,096, A>G. VCF-style: chr3-158649096-A-G. GRCh37 (hg19) VCF-style: chr3-158366885-A-G.
Other names: c.628A>G, p.Asn210Asp (NM_001308164.2, NM_001308166.2, NM_001374355.1); c.403A>G, p.Asn135Asp (NM_001374357.1); c.61A>G, p.Asn21Asp (NM_001374359.1, NM_001374360.1); c.572+2149A>G (NM_001374356.1); c.6-3000A>G (NM_001374361.1); c.235-3004A>G (NM_001374358.1); short protein forms N210D, N21D, N135D.
Identifiers: ClinVar variation 2738648 (VCV002738648.3), dbSNP rs1188899883, ClinGen allele CA355176301.
Genomic context (GRCh38, chr3:158,649,096, plus strand): 5'-TTCAGGTCTAAACTAAATCATAATGCAGCGTTTATGCAGATACCCATGGGTTTGGAGGGT[A>G]ATTTTAAAGGTATTGTAGATCTTATTGAGGAACGAGCCATCTATTTTGATGGAGACTTTG-3'
Protein context (NP_079272.4, residues 200-220): FMQIPMGLEG[Asn210Asp]FKGIVDLIEE

ClinVar aggregate classification (germline): Uncertain significance (1 of 4 stars; one submission).

Allele frequency attached by ClinVar (database versions not stated): gnomAD 0.00001; TOPMed 0.00002.
gnomAD v4.1: 14 of 1,580,066 alleles (0.00089%); highest among the groups gnomAD compares: African/African-American, 0.0027%; no homozygotes.

Submission:

Labcorp Genetics (formerly Invitae), Labcorp
Classification: Uncertain significance. Last evaluated: 2023-10-30. Review status: criteria provided, single submitter. Criteria: Invitae Variant Classification Sherloc (09022015). Collection method: clinical testing. Allele origin: germline.
Comment: This sequence change replaces asparagine, which is neutral and polar, with aspartic acid, which is acidic and polar, at codon 210 of the GFM1 protein (p.Asn210Asp). This variant is not present in population databases (gnomAD no frequency). This variant has not been reported in the literature in individuals affected with GFM1-related conditions. Algorithms developed to predict the effect of missense changes on protein structure and function output the following: SIFT: "Not Available"; PolyPhen-2: "Benign"; Align-GVGD: "Not Available". The aspartic acid amino acid residue is found in multiple mammalian species, which suggests that this missense change does not adversely affect protein function. In summary, the available evidence is currently insufficient to determine the role of this variant in disease. Therefore, it has been classified as a Variant of Uncertain Significance.